The following is an entry in ClinVar:

ClinVar aggregate classification (germline): Benign/Likely benign. Review status: criteria provided, multiple submitters, no conflicts (2 of 4 stars). 3 submissions from 3 submitters: Benign (1); Likely benign (1). 1 of the submissions does not count toward it. Last evaluated 2026-05-11.

Conditions:
RREB1-related disorder. Also called: RREB1-related condition.

Allele frequency attached by ClinVar (database versions not stated): gnomAD exomes 0.00084 and 0.00227; ExAC 0.00278; TOPMed 0.00911; ESP Exome Variant Server 0.00953; gnomAD 0.00875 and 0.00813; 1000 Genomes Project 0.00759; 1000 Genomes Project 30x 0.00843.
gnomAD v4.1: 2,521 of 1,612,772 alleles (0.16%); highest among the groups gnomAD compares: African/African-American, 2.8%; 25 homozygotes.

Submissions (3):

Women's Health and Genetics/Laboratory Corporation of America, LabCorp
Classification: Likely benign. Last evaluated: 2026-05-11. Review status: criteria provided, single submitter. Criteria: LabCorp Variant Classification Summary - May 2015. Collection method: clinical testing. Allele origin: germline.

Labcorp Genetics (formerly Invitae), Labcorp
Classification: Benign. Last evaluated: 2019-12-31. Review status: criteria provided, single submitter. Criteria: Invitae Variant Classification Sherloc (09022015). Collection method: clinical testing. Allele origin: germline.

PreventionGenetics, part of Exact Sciences
Classification: Benign for RREB1-related condition. Last evaluated: 2019-02-19. Review status: no assertion criteria provided. Collection method: clinical testing. Allele origin: germline. Not counted in ClinVar's aggregate classification.
Comment: This variant is classified as benign based on ACMG/AMP sequence variant interpretation guidelines (Richards et al. 2015 PMID: 25741868, with internal and published modifications).

NM_001003699.4(RREB1):c.268A>G (p.Thr90Ala)

Gene: RREB1 (ras responsive element binding protein 1; plus strand). Cytogenetic location: 6p24.3.
Variant type: single nucleotide variant.
Coding change: c.268A>G on transcript NM_001003699.4 (MANE Select); coding-DNA position 268, A replaced by G.
Protein change: p.Thr90Ala; replaces threonine 90 with alanine.
Molecular consequence: missense variant.
Genome position (GRCh38, 1-based): chr6:7,189,165, A>G. VCF-style: chr6-7189165-A-G. GRCh37 (hg19) VCF-style: chr6-7189398-A-G.
Other names: c.268A>G, p.Thr90Ala (NM_001003698.4, NM_001003700.2, NM_001168344.2); short protein forms T90A.
Identifiers: ClinVar variation 768060 (VCV000768060.7), dbSNP rs73374662, ClinGen allele CA3625238.
Genomic context (GRCh38, chr6:7,189,165, plus strand): 5'-CTGAGCTTCTGATGCACTTTCTTAAGTGACCGCTGTGACCATTGCTTTCTGCAGCACAAC[A>G]CAGACACTGGAGGAGCCGACCACTCATGCAGCATCTGCGGAAAGTCACTGAGCTCGGCCA-3'
Protein context (NP_001003699.1, residues 80-100): QLTMHIRQHN[Thr90Ala]DTGGADHSCS